The following is an entry in ClinVar:

ClinVar aggregate classification (germline): Conflicting classifications of pathogenicity. Review status: criteria provided, conflicting classifications (1 of 4 stars). 4 submissions from 4 submitters: Uncertain significance (1); Benign (1); Likely benign (2). Last evaluated 2026-08-01.

Conditions:
Inborn genetic diseases. Identifiers: MedGen C0950123, MeSH D030342.

Allele frequency attached by ClinVar (database versions not stated): gnomAD exomes 0.00032 and 0.00074; ExAC 0.00095; 1000 Genomes Project 30x 0.00203; ESP Exome Variant Server 0.00238; 1000 Genomes Project 0.00240; gnomAD 0.00293 and 0.00312; TOPMed 0.00305.
gnomAD v4.1: 950 of 1,614,170 alleles (0.059%); highest among the groups gnomAD compares: African/African-American, 1%; 5 homozygotes.

Submissions (4):

CeGaT Center for Human Genetics Tuebingen
Classification: Likely benign. Last evaluated: 2026-08-01. Review status: criteria provided, single submitter. Criteria: CeGaT Center For Human Genetics Tuebingen Variant Classification Criteria Version 2. Collection method: clinical testing. Allele origin: germline. Affected: yes. Observed: 3 variant alleles.
Comment: LAMA3: BP4, BS1

Blueprint Genetics
Classification: Likely benign. Last evaluated: 2024-08-28. Review status: criteria provided, single submitter. Criteria: ACMG Guidelines, 2015. Collection method: clinical testing. Allele origin: germline.

Labcorp Genetics (formerly Invitae), Labcorp
Classification: Benign. Last evaluated: 2022-08-23. Review status: criteria provided, single submitter. Criteria: Invitae Variant Classification Sherloc (09022015). Collection method: clinical testing. Allele origin: germline.

Ambry Genetics
Classification: Uncertain significance for Inborn genetic diseases. Last evaluated: 2021-09-27. Review status: criteria provided, single submitter. Criteria: Ambry Variant Classification Scheme 2023. Collection method: clinical testing. Allele origin: germline.

NM_198129.4(LAMA3):c.3371T>G (p.Leu1124Arg)

Gene: LAMA3 (laminin subunit alpha 3; plus strand). Cytogenetic location: 18q11.2.
Variant type: single nucleotide variant.
Coding change: c.3371T>G on transcript NM_198129.4 (MANE Select); coding-DNA position 3371, T replaced by G.
Protein change: p.Leu1124Arg; replaces leucine 1124 with arginine.
Molecular consequence: missense variant.
Genome position (GRCh38, 1-based): chr18:23,842,429, T>G. VCF-style: chr18-23842429-T-G. GRCh37 (hg19) VCF-style: chr18-21422393-T-G.
Other names: c.3371T>G (NM_198129.1); c.3371T>G, p.Leu1124Arg (NM_001127717.4); short protein forms L1124R.
Identifiers: ClinVar variation 1169753 (VCV001169753.32), dbSNP rs76711437, ClinGen allele CA8915240.
Genomic context (GRCh38, chr18:23,842,429, plus strand): 5'-TTTTTCCTCCTCTTTTTTCCTCTTAGAATCAAGTGACCCTGAGAGGACGTGTACCACACC[T>G]GGGCCGATACGTCTTTGTCATCCATTTTTACCAAGCAGCGCACCCGACGTTTCCCGCGCA-3'
Protein context (NP_937762.2, residues 1114-1134): QVTLRGRVPH[Leu1124Arg]GRYVFVIHFY